The following is an entry in ClinVar:

NM_001844.5(COL2A1):c.406del (p.Asp136fs)

Gene: COL2A1 (collagen type II alpha 1 chain; minus strand). Cytogenetic location: 12q13.11.
Variant type: Deletion.
Coding change: c.406del on transcript NM_001844.5 (MANE Select); coding-DNA position 406, one base deleted (G; older notation c.406delG).
Protein change: p.Asp136fs; shifts the reading frame from aspartic acid 136.
Molecular consequence: frameshift variant.
Genome position (GRCh38, 1-based): chr12:47,997,894, C deleted on the plus strand (G on the coding strand, the reverse complement: COL2A1 is on the minus strand); the first of 4 consecutive C bases (chr12:47,997,894-47,997,897); deleting any one gives the same sequence. VCF-style (leftmost placement, unchanged base first): chr12-47997893-TC-T. GRCh37 (hg19) VCF-style: chr12-48391676-TC-T.
Other names: c.199del, p.Asp67fs (NM_033150.3); short protein forms D136fs, D67fs.
Identifiers: ClinVar variation 2497992 (VCV002497992.4), dbSNP rs2540181410, ClinGen allele CA2580085528.

ClinVar aggregate classification (germline): Pathogenic. Review status: criteria provided, multiple submitters, no conflicts (2 of 4 stars). 2 submissions from 2 submitters: Pathogenic (2). Last evaluated 2023-03-31.

Submissions (2):

GeneDx
Classification: Pathogenic. Last evaluated: 2023-03-31. Review status: criteria provided, single submitter. Criteria: GeneDx Variant Classification Process June 2021. Collection method: clinical testing. Allele origin: germline. Affected: yes.
Comment: Has not been previously published as pathogenic or benign to our knowledge; Not observed at significant frequency in large population cohorts (gnomAD); Frameshift variant predicted to result in protein truncation or nonsense mediated decay in a gene for which loss of function is a known mechanism of disease

Labcorp Genetics (formerly Invitae), Labcorp
Classification: Pathogenic. Last evaluated: 2022-11-28. Review status: criteria provided, single submitter. Criteria: Invitae Variant Classification Sherloc (09022015). Collection method: clinical testing. Allele origin: germline.
Comment: This variant is not present in population databases (gnomAD no frequency). This sequence change creates a premature translational stop signal (p.Asp136Ilefs*63) in the COL2A1 gene. It is expected to result in an absent or disrupted protein product. Loss-of-function variants in COL2A1 are known to be pathogenic (PMID: 20179744). This variant has not been reported in the literature in individuals affected with COL2A1-related conditions. For these reasons, this variant has been classified as Pathogenic.

Literature cited by the submitters: PubMed 20179744 (cited by Labcorp Genetics (formerly Invitae), Labcorp).